The following is an entry in ClinVar:

NM_001190.4(BCAT2):c.871G>A (p.Val291Ile)

Gene: BCAT2 (branched chain amino acid transaminase 2; minus strand). Cytogenetic location: 19q13.33.
Variant type: single nucleotide variant.
Coding change: c.871G>A on transcript NM_001190.4 (MANE Select); coding-DNA position 871, G replaced by A.
Protein change: p.Val291Ile; replaces valine 291 with isoleucine.
Molecular consequence: missense variant.
Genome position (GRCh38, 1-based): chr19:48,796,990, C>T on the plus strand (G>A on the coding strand, the complement: BCAT2 is on the minus strand). VCF-style: chr19-48796990-C-T. GRCh37 (hg19) VCF-style: chr19-49300247-C-T.
Other names: c.595G>A, p.Val199Ile (NM_001164773.2); c.751G>A, p.Val251Ile (NM_001284325.2); short protein forms V199I, V251I, V291I.
Identifiers: ClinVar variation 1906526 (VCV001906526.6), dbSNP rs750400501, ClinGen allele CA9558276.

ClinVar aggregate classification (germline): Conflicting classifications of pathogenicity. Review status: criteria provided, conflicting classifications (1 of 4 stars). 2 submissions from 2 submitters: Uncertain significance (1); Likely benign (1). Last evaluated 2022-08-31.

Allele frequency attached by ClinVar (database versions not stated): TOPMed below 0.00001; ExAC 0.00001; gnomAD 0.00001; gnomAD exomes 0.00001.
gnomAD v4.1: 21 of 1,614,090 alleles (0.0013%); highest among the groups gnomAD compares: Admixed American, 0.005%; no homozygotes.

Submissions (2):

Labcorp Genetics (formerly Invitae), Labcorp
Classification: Uncertain significance. Last evaluated: 2022-08-31. Review status: criteria provided, single submitter. Criteria: Invitae Variant Classification Sherloc (09022015). Collection method: clinical testing. Allele origin: germline.
Comment: Algorithms developed to predict the effect of missense changes on protein structure and function output the following: SIFT: "Tolerated"; PolyPhen-2: "Benign"; Align-GVGD: "Class C0". The isoleucine amino acid residue is found in multiple mammalian species, which suggests that this missense change does not adversely affect protein function. In summary, the available evidence is currently insufficient to determine the role of this variant in disease. Therefore, it has been classified as a Variant of Uncertain Significance. This variant has not been reported in the literature in individuals affected with BCAT2-related conditions. This variant is present in population databases (rs750400501, gnomAD 0.009%). This sequence change replaces valine, which is neutral and non-polar, with isoleucine, which is neutral and non-polar, at codon 291 of the BCAT2 protein (p.Val291Ile).

Ambry Genetics
Classification: Likely benign. Last evaluated: 2022-03-29. Review status: criteria provided, single submitter. Criteria: Ambry Variant Classification Scheme 2023. Collection method: clinical testing. Allele origin: germline.